The following is an entry in ClinVar:

NM_001365999.1(SZT2):c.3310-3C>G

Gene: SZT2 (SZT2 subunit of KICSTOR complex; plus strand). Cytogenetic location: 1p34.2.
Variant type: single nucleotide variant.
Coding change: c.3310-3C>G on transcript NM_001365999.1 (MANE Select); 3 bases into the intron before coding-DNA position 3310, C replaced by G.
Molecular consequence: intron variant.
Genome position (GRCh38, 1-based): chr1:43,427,053, C>G. VCF-style: chr1-43427053-C-G. GRCh37 (hg19) VCF-style: chr1-43892724-C-G.
Other names: c.3139-3C>G (NM_015284.4).
Identifiers: ClinVar variation 840453 (VCV000840453.11), dbSNP rs1653241118, ClinGen allele CA916082020.

ClinVar aggregate classification (germline): Uncertain significance (1 of 4 stars; one submission).

Allele frequency attached by ClinVar (database versions not stated): TOPMed 0.00001.
gnomAD v4.1: 1 of 1,614,094 alleles (0.000062%); highest among the groups gnomAD compares: Admixed American, 0.0017%; no homozygotes.

Submission:

Labcorp Genetics (formerly Invitae), Labcorp
Classification: Uncertain significance. Last evaluated: 2019-12-11. Review status: criteria provided, single submitter. Criteria: Invitae Variant Classification Sherloc (09022015). Collection method: clinical testing. Allele origin: germline.
Comment: This sequence change falls in intron 22 of the SZT2 gene. It does not directly change the encoded amino acid sequence of the SZT2 protein, but it affects a nucleotide within the consensus splice site of the intron. This variant is not present in population databases (ExAC no frequency). This variant has not been reported in the literature in individuals with SZT2-related conditions. Nucleotide substitutions within the consensus splice site are a relatively common cause of aberrant splicing (PMID: 17576681, 9536098). Algorithms developed to predict the effect of sequence changes on RNA splicing suggest that this variant may disrupt the consensus splice site, but this prediction has not been confirmed by published transcriptional studies. In summary, the available evidence is currently insufficient to determine the role of this variant in disease. Therefore, it has been classified as a Variant of Uncertain Significance.

Literature cited by the submitters: PubMed 17576681; PubMed 9536098.